The following is an entry in ClinVar:

NM_000492.4(CFTR):c.970C>G (p.Pro324Ala)

Gene: CFTR (CF transmembrane conductance regulator; plus strand). Cytogenetic location: 7q31.2.
Variant type: single nucleotide variant.
Coding change: c.970C>G on transcript NM_000492.4 (MANE Select); coding-DNA position 970, C replaced by G.
Protein change: p.Pro324Ala; replaces proline 324 with alanine.
Molecular consequence: missense variant.
Genome position (GRCh38, 1-based): chr7:117,540,200, C>G. VCF-style: chr7-117540200-C-G. GRCh37 (hg19) VCF-style: chr7-117180254-C-G.
Other names: short protein forms P324A.
Identifiers: ClinVar variation 3626380 (VCV003626380.2).

ClinVar aggregate classification (germline): Uncertain significance (1 of 4 stars; one submission).

Conditions:
Cystic fibrosis (CF). Also called: MUCOVISCIDOSIS. Identifiers: Orphanet 586, MedGen C0010674, MONDO:0009061, OMIM 219700. Disease mechanism: loss of function.

gnomAD v4.1: 2 of 1,613,856 alleles (0.00012%); highest among the groups gnomAD compares: Admixed American, 0.0017%; no homozygotes.

Submission:

Labcorp Genetics (formerly Invitae), Labcorp
Classification: Uncertain significance for Cystic fibrosis. Last evaluated: 2024-08-06. Review status: criteria provided, single submitter. Criteria: Invitae Variant Classification Sherloc (09022015). Collection method: clinical testing. Allele origin: germline.
Comment: This sequence change replaces proline, which is neutral and non-polar, with alanine, which is neutral and non-polar, at codon 324 of the CFTR protein (p.Pro324Ala). This variant is not present in population databases (gnomAD no frequency). This variant has not been reported in the literature in individuals affected with CFTR-related conditions. Advanced modeling of protein sequence and biophysical properties (such as structural, functional, and spatial information, amino acid conservation, physicochemical variation, residue mobility, and thermodynamic stability) performed at Invitae indicates that this missense variant is not expected to disrupt CFTR protein function with a negative predictive value of 80%. Experimental studies have shown that this missense change affects CFTR function (PMID: 8663008). In summary, the available evidence is currently insufficient to determine the role of this variant in disease. Therefore, it has been classified as a Variant of Uncertain Significance.

Literature cited by the submitters: PubMed 8663008.